The following is an entry in ClinVar:

NM_001369369.1(FOXN1):c.927+6C>T

Gene: FOXN1 (forkhead box N1; plus strand). Cytogenetic location: 17q11.2.
Variant type: single nucleotide variant.
Coding change: c.927+6C>T on transcript NM_001369369.1 (MANE Select); 6 bases into the intron after coding-DNA position 927, C replaced by T.
Molecular consequence: intron variant.
Genome position (GRCh38, 1-based): chr17:28,530,851, C>T. VCF-style: chr17-28530851-C-T. GRCh37 (hg19) VCF-style: chr17-26857869-C-T.
Other names: c.927+6C>T (NM_003593.3).
Identifiers: ClinVar variation 2415314 (VCV002415314.7), dbSNP rs758276674, ClinGen allele CA2576207930.
Genomic context (GRCh38, chr17:28,530,851, plus strand): 5'-CCTTCCCGTCAGCGAGATCTACAATTTTATGACGGAGCACTTTCCTTACTTCAAGGTGAG[C>T]CCAAGATTCCTCCCCATCCCATCACCCCCAAGTCCTGGACAGGCCAGGCCTCTCTGAGCA-3'

ClinVar aggregate classification (germline): Uncertain significance (1 of 4 stars; one submission).

Conditions:
T-cell immunodeficiency, congenital alopecia, and nail dystrophy. Also called: Congenital alopecia and nail dystrophy associated with severe functional T-cell immunodeficiency; Pignata Guarino syndrome. Identifiers: Orphanet 169095, MedGen C1866426, MONDO:0011132, OMIM 601705.

gnomAD v4.1: 1 of 1,507,498 alleles (0.000066%); highest among the groups gnomAD compares: Non-Finnish European, 0.000092%; no homozygotes.

Submission:

Labcorp Genetics (formerly Invitae), Labcorp
Classification: Uncertain significance for T-cell immunodeficiency, congenital alopecia, and nail dystrophy. Last evaluated: 2022-09-27. Review status: criteria provided, single submitter. Criteria: Invitae Variant Classification Sherloc (09022015). Collection method: clinical testing. Allele origin: germline.
Comment: In summary, the available evidence is currently insufficient to determine the role of this variant in disease. Therefore, it has been classified as a Variant of Uncertain Significance. Variants that disrupt the consensus splice site are a relatively common cause of aberrant splicing (PMID: 17576681, 9536098). Algorithms developed to predict the effect of sequence changes on RNA splicing suggest that this variant is not likely to affect RNA splicing. This variant has not been reported in the literature in individuals affected with FOXN1-related conditions. This variant is not present in population databases (gnomAD no frequency). This sequence change falls in intron 5 of the FOXN1 gene. It does not directly change the encoded amino acid sequence of the FOXN1 protein. It affects a nucleotide within the consensus splice site.

Literature cited by the submitters: PubMed 17576681; PubMed 9536098.